The following is an entry in ClinVar:

NM_000051.4(ATM):c.149A>C (p.Lys50Thr)

Gene: ATM (ATM serine/threonine kinase; plus strand). Cytogenetic location: 11q22.3.
Variant type: single nucleotide variant.
Coding change: c.149A>C on transcript NM_000051.4 (MANE Select); coding-DNA position 149, A replaced by C.
Protein change: p.Lys50Thr; replaces lysine 50 with threonine.
Molecular consequence: missense variant.
Genome position (GRCh38, 1-based): chr11:108,227,852, A>C. VCF-style: chr11-108227852-A-C. GRCh37 (hg19) VCF-style: chr11-108098579-A-C.
Other names: NP_000042.3:p.Lys50Thr; c.149A>C, p.Lys50Thr (NM_001351834.2, NM_001351835.2, NM_001351836.2); short protein forms K50T.
Identifiers: ClinVar variation 1678967 (VCV001678967.3), dbSNP rs1479478300, ClinGen allele CA382520189.

ClinVar aggregate classification (germline): Uncertain significance. Review status: criteria provided, multiple submitters, no conflicts (2 of 4 stars). 2 submissions from 2 submitters: Uncertain significance (2). Last evaluated 2024-10-09.

Conditions:
Hereditary breast ovarian cancer syndrome. Also called: BRCA1- and BRCA2-Associated Hereditary Breast and Ovarian Cancer; Hereditary breast and ovarian cancer syndrome (HBOC); Hereditary breast and/or ovarian cancer syndrome; Breast and ovarian cancer; Hereditary breast and ovarian cancer; Hereditary breast and ovarian cancer syndrome. Identifiers: Orphanet 145, MedGen C0677776, MeSH D061325, MONDO:0003582. Disease mechanism: loss of function.
Ataxia-telangiectasia syndrome (AT). Also called: Ataxia-telangiectasia, complementation group D; AT, COMPLEMENTATION GROUP C; ATAXIA-TELANGIECTASIA, COMPLEMENTATION GROUP A; ATAXIA-TELANGIECTASIA, FRESNO VARIANT; Cerebello-oculocutaneous telangiectasia; Immunodeficiency with ataxia telangiectasia. Identifiers: Orphanet 100, MedGen C0004135, MONDO:0008840, OMIM 208900.

Submissions (2):

Labcorp Genetics (formerly Invitae), Labcorp
Classification: Uncertain significance for Ataxia-telangiectasia syndrome. Last evaluated: 2024-10-09. Review status: criteria provided, single submitter. Criteria: Invitae Variant Classification Sherloc (09022015). Collection method: clinical testing. Allele origin: germline.
Comment: This sequence change replaces lysine, which is basic and polar, with threonine, which is neutral and polar, at codon 50 of the ATM protein (p.Lys50Thr). This variant is not present in population databases (gnomAD no frequency). This variant has not been reported in the literature in individuals affected with ATM-related conditions. ClinVar contains an entry for this variant (Variation ID: 1678967). Invitae Evidence Modeling of protein sequence and biophysical properties (such as structural, functional, and spatial information, amino acid conservation, physicochemical variation, residue mobility, and thermodynamic stability) indicates that this missense variant is not expected to disrupt ATM protein function with a negative predictive value of 95%. In summary, the available evidence is currently insufficient to determine the role of this variant in disease. Therefore, it has been classified as a Variant of Uncertain Significance.

National Health Laboratory Service, Universitas Academic Hospital and University of the Free State
Classification: Uncertain significance for Hereditary breast ovarian cancer syndrome. Last evaluated: 2022-04-19. Review status: criteria provided, single submitter. Criteria: ACMG Guidelines, 2015. Collection method: clinical testing. Allele origin: germline. Affected: yes. Observed: 1 variant allele.